The following is an entry in ClinVar:

NM_052854.4(CREB3L1):c.1433C>T (p.Thr478Ile)

Gene: CREB3L1 (cAMP responsive element binding protein 3 like 1; plus strand). Cytogenetic location: 11p11.2.
Variant type: single nucleotide variant.
Coding change: c.1433C>T on transcript NM_052854.4 (MANE Select); coding-DNA position 1433, C replaced by T.
Protein change: p.Thr478Ile; replaces threonine 478 with isoleucine.
Molecular consequence: missense variant.
Genome position (GRCh38, 1-based): chr11:46,320,438, C>T. VCF-style: chr11-46320438-C-T. GRCh37 (hg19) VCF-style: chr11-46341989-C-T.
Other names: c.1433C>T (NM_052854.2); short protein forms T478I.
Identifiers: ClinVar variation 1958222 (VCV001958222.6), dbSNP rs764332846, ClinGen allele CA380226199.

ClinVar aggregate classification (germline): Uncertain significance. Review status: criteria provided, multiple submitters, no conflicts (2 of 4 stars). 2 submissions from 2 submitters: Uncertain significance (2). Last evaluated 2025-06-08.

Conditions:
Inborn genetic diseases. Identifiers: MedGen C0950123, MeSH D030342.

Allele frequency attached by ClinVar (database versions not stated): gnomAD 0.00001; TOPMed 0.00001.
gnomAD v4.1: 6 of 1,610,210 alleles (0.00037%); highest among the groups gnomAD compares: Non-Finnish European, 0.00051%; no homozygotes.

Submissions (2):

Ambry Genetics
Classification: Uncertain significance for Inborn genetic diseases. Last evaluated: 2025-06-08. Review status: criteria provided, single submitter. Criteria: Ambry Variant Classification Scheme 2023. Collection method: clinical testing. Allele origin: germline.

Labcorp Genetics (formerly Invitae), Labcorp
Classification: Uncertain significance. Last evaluated: 2023-01-12. Review status: criteria provided, single submitter. Criteria: Invitae Variant Classification Sherloc (09022015). Collection method: clinical testing. Allele origin: germline.
Comment: In summary, the available evidence is currently insufficient to determine the role of this variant in disease. Therefore, it has been classified as a Variant of Uncertain Significance. Algorithms developed to predict the effect of missense changes on protein structure and function are either unavailable or do not agree on the potential impact of this missense change (SIFT: "Deleterious"; PolyPhen-2: "Benign"; Align-GVGD: "Class C0"). This variant has not been reported in the literature in individuals affected with CREB3L1-related conditions. The frequency data for this variant in the population databases is considered unreliable, as metrics indicate poor data quality at this position in the gnomAD database. This sequence change replaces threonine, which is neutral and polar, with isoleucine, which is neutral and non-polar, at codon 478 of the CREB3L1 protein (p.Thr478Ile).